The following is an entry in ClinVar:

ClinVar aggregate classification (germline): Pathogenic (1 of 4 stars; one submission).

Conditions:
Cataract 17 multiple types. Also called: CATARACT 17, PULVERULENT; CATARACT 17, CONGENITAL NUCLEAR, AUTOSOMAL RECESSIVE. Identifiers: Orphanet 91492, MedGen C3888124, MONDO:0012688, OMIM 611544.

Submission:

Labcorp Genetics (formerly Invitae), Labcorp
Classification: Pathogenic for Cataract 17 multiple types. Last evaluated: 2018-01-10. Review status: criteria provided, single submitter. Criteria: Invitae Variant Classification Sherloc (09022015). Collection method: clinical testing. Allele origin: germline.
Comment: For these reasons, this variant has been classified as Pathogenic. This sequence change results in a premature translational stop signal in the CRYBB1 gene (p.Tyr196Ilefs*13). While this is not anticipated to result in nonsense mediated decay, it is expected to disrupt the last 57 amino acids of the CRYBB1 protein. This variant is not present in population databases (ExAC no frequency).

NM_001887.4(CRYBB1):c.585del (p.Tyr196fs)

Genes: CRYBA4 (crystallin beta A4; plus strand), CRYBB1 (crystallin beta B1; minus strand). Cytogenetic location: 22q12.1.
Variant type: Deletion.
Coding change: c.585del on transcript NM_001887.4 (MANE Select); coding-DNA position 585, one base deleted (C; older notation c.585delC).
Protein change: p.Tyr196fs; shifts the reading frame from tyrosine 196.
Molecular consequence: frameshift variant.
Genome position (GRCh38, 1-based): chr22:26,599,664, G deleted on the plus strand (C on the coding strand, the reverse complement: CRYBB1 is on the minus strand). VCF-style (leftmost placement, unchanged base first): chr22-26599663-AG-A. GRCh37 (hg19) VCF-style: chr22-26995627-AG-A.
Other names: short protein forms Y196fs.
Identifiers: ClinVar variation 574493 (VCV000574493.9), dbSNP rs1569203234, ClinGen allele CA891843653.